The following is an entry in ClinVar:

ClinVar aggregate classification (germline): Uncertain significance (1 of 4 stars; one submission).

Conditions:
Atrial septal defect 5 (ASD5). Identifiers: Orphanet 1478, MedGen C2748552, MONDO:0013011, OMIM 612794.
Dilated cardiomyopathy 1R (CMD1R). Identifiers: Orphanet 154, Orphanet 54260, MedGen C3150681, MONDO:0013261, OMIM 613424.
Hypertrophic cardiomyopathy 11. Also called: ACTC1-Related Familial Hypertrophic Cardiomyopathy. Identifiers: MedGen C2677506, MONDO:0012799, OMIM 612098.

Submission:

Labcorp Genetics (formerly Invitae), Labcorp
Classification: Uncertain significance for Dilated cardiomyopathy 1R; Hypertrophic cardiomyopathy 11; Atrial septal defect 5. Last evaluated: 2025-09-01. Review status: criteria provided, single submitter. Criteria: Invitae Variant Classification Sherloc (09022015). Collection method: clinical testing. Allele origin: germline.
Comment: This sequence change falls in intron 5 of the ACTC1 gene. It does not directly change the encoded amino acid sequence of the ACTC1 protein. It affects a nucleotide within the consensus splice site. This variant is not present in population databases (gnomAD no frequency). This variant has not been reported in the literature in individuals affected with ACTC1-related conditions. Variants that disrupt the consensus splice site are a relatively common cause of aberrant splicing (PMID: 17576681, 9536098). Algorithms developed to predict the effect of sequence changes on RNA splicing suggest that this variant is not likely to affect RNA splicing. In summary, the available evidence is currently insufficient to determine the role of this variant in disease. Therefore, it has been classified as a Variant of Uncertain Significance.

Literature cited by the submitters: PubMed 17576681; PubMed 9536098.

NM_005159.5(ACTC1):c.809-3C>T

Genes: GJD2-DT (GJD2 divergent transcript; plus strand), ACTC1 (actin alpha cardiac muscle 1; minus strand). Cytogenetic location: 15q14.
Variant type: single nucleotide variant.
Coding change: c.809-3C>T on transcript NM_005159.5 (MANE Select); 3 bases into the intron before coding-DNA position 809, C replaced by T.
Molecular consequence: intron variant.
Genome position (GRCh38, 1-based): chr15:34,791,298, G>A on the plus strand (C>T on the coding strand, the complement: ACTC1 is on the minus strand). VCF-style: chr15-34791298-G-A. GRCh37 (hg19) VCF-style: chr15-35083499-G-A.
Other names: c.809-3C>T (NM_001406483.1, NM_001406482.1); c.368-3C>T (NM_001406485.1); c.674-3C>T (NM_001406484.1).
Identifiers: ClinVar variation 4788299 (VCV004788299.1).